The following is an entry in ClinVar:

ClinVar aggregate classification (germline): Uncertain significance. Review status: criteria provided, multiple submitters, no conflicts (2 of 4 stars). 3 submissions from 3 submitters: Uncertain significance (3). Last evaluated 2025-04-09.

Conditions:
Cardiovascular phenotype. Identifiers: MedGen CN230736.

Allele frequency attached by ClinVar (database versions not stated): ExAC 0.00003; gnomAD 0.00003.

Submissions (3):

Molecular Diagnostic Laboratory for Inherited Cardiovascular Disease, Montreal Heart Institute
Classification: Uncertain significance for Cardiovascular phenotype. Last evaluated: 2025-04-09. Review status: criteria provided, single submitter. Criteria: ACMG Guidelines, 2015. Collection method: clinical testing. Allele origin: germline. Affected: yes.

Labcorp Genetics (formerly Invitae), Labcorp
Classification: Uncertain significance. Last evaluated: 2024-03-29. Review status: criteria provided, single submitter. Criteria: Invitae Variant Classification Sherloc (09022015). Collection method: clinical testing. Allele origin: germline.
Comment: This sequence change replaces threonine, which is neutral and polar, with lysine, which is basic and polar, at codon 236 of the APOA5 protein (p.Thr236Lys). This variant is present in population databases (rs751344537, gnomAD 0.006%). This variant has not been reported in the literature in individuals affected with APOA5-related conditions. ClinVar contains an entry for this variant (Variation ID: 1757035). An algorithm developed to predict the effect of missense changes on protein structure and function (PolyPhen-2) suggests that this variant is likely to be disruptive. In summary, the available evidence is currently insufficient to determine the role of this variant in disease. Therefore, it has been classified as a Variant of Uncertain Significance.

Ambry Genetics
Classification: Uncertain significance for Cardiovascular phenotype. Last evaluated: 2022-10-14. Review status: criteria provided, single submitter. Criteria: Ambry Variant Classification Scheme 2023. Collection method: clinical testing. Allele origin: germline.
Comment: The p.T236K variant (also known as c.707C>A), located in coding exon 3 of the APOA5 gene, results from a C to A substitution at nucleotide position 707. The threonine at codon 236 is replaced by lysine, an amino acid with similar properties. This amino acid position is conserved. In addition, the in silico prediction for this alteration is inconclusive. Since supporting evidence is limited at this time, the clinical significance of this alteration remains unclear.

NM_001371904.1(APOA5):c.707C>A (p.Thr236Lys)

Gene: APOA5 (apolipoprotein A5; minus strand). Cytogenetic location: 11q23.3.
Variant type: single nucleotide variant.
Coding change: c.707C>A on transcript NM_001371904.1 (MANE Select); coding-DNA position 707, C replaced by A.
Protein change: p.Thr236Lys; replaces threonine 236 with lysine.
Molecular consequence: missense variant.
Genome position (GRCh38, 1-based): chr11:116,790,522, G>T on the plus strand (C>A on the coding strand, the complement: APOA5 is on the minus strand). VCF-style: chr11-116790522-G-T. GRCh37 (hg19) VCF-style: chr11-116661238-G-T.
Other names: c.707C>A, p.Thr236Lys (NM_001166598.2, NM_052968.5); short protein forms T236K.
Identifiers: ClinVar variation 1757035 (VCV001757035.5), dbSNP rs751344537, ClinGen allele CA6289016.